The following is an entry in ClinVar:

NM_001135022.2(ELMOD3):c.1010G>C (p.Arg337Thr)

Gene: ELMOD3 (ELMO domain containing 3; plus strand). Cytogenetic location: 2p11.2.
Variant type: single nucleotide variant.
Coding change: c.1010G>C on transcript NM_001135022.2 (MANE Select); coding-DNA position 1010, G replaced by C.
Protein change: p.Arg337Thr; replaces arginine 337 with threonine.
Molecular consequence: missense variant. On other transcripts: 3 prime UTR variant (1), non-coding transcript variant (3).
Genome position (GRCh38, 1-based): chr2:85,390,826, G>C. VCF-style: chr2-85390826-G-C. GRCh37 (hg19) VCF-style: chr2-85617949-G-C.
Other names: c.1010G>C, p.Arg337Thr (NM_001135021.2, NM_001135023.2, NM_001329791.2 and 2 more transcripts); c.*328G>C (NM_032213.5); short protein forms R337T.
Identifiers: ClinVar variation 2872414 (VCV002872414.3), dbSNP rs748617515, ClinGen allele CA347460078.

ClinVar aggregate classification (germline): Uncertain significance (1 of 4 stars; one submission).

gnomAD v4.1: 1 of 1,551,530 alleles (0.000064%); highest among the groups gnomAD compares: Non-Finnish European, 0.000087%; no homozygotes.

Submission:

Labcorp Genetics (formerly Invitae), Labcorp
Classification: Uncertain significance. Last evaluated: 2024-01-22. Review status: criteria provided, single submitter. Criteria: Invitae Variant Classification Sherloc (09022015). Collection method: clinical testing. Allele origin: germline.
Comment: This sequence change replaces arginine, which is basic and polar, with threonine, which is neutral and polar, at codon 337 of the ELMOD3 protein (p.Arg337Thr). This variant is not present in population databases (gnomAD no frequency). This variant has not been reported in the literature in individuals affected with ELMOD3-related conditions. Advanced modeling of protein sequence and biophysical properties (such as structural, functional, and spatial information, amino acid conservation, physicochemical variation, residue mobility, and thermodynamic stability) performed at Invitae indicates that this missense variant is not expected to disrupt ELMOD3 protein function with a negative predictive value of 80%. In summary, the available evidence is currently insufficient to determine the role of this variant in disease. Therefore, it has been classified as a Variant of Uncertain Significance.